The following is an entry in ClinVar:

ClinVar aggregate classification (germline): Pathogenic. Review status: criteria provided, single submitter (1 of 4 stars). 2 submissions from 2 submitters: Pathogenic (1). 1 of the submissions does not count toward it. Last evaluated 2026-01-23.

Conditions:
KCNJ16-related disorder. Also called: KCNJ16-related condition.
Hypokalemic tubulopathy and deafness. Identifiers: MedGen C5543621, MONDO:0859167, OMIM 619406.

Submissions (2):

Stanford Starfish Project, Stanford University
Classification: Pathogenic for Hypokalemic tubulopathy and deafness. Last evaluated: 2026-01-23. Review status: criteria provided, single submitter. Criteria: ACMG Guidelines, 2015. Collection method: provider interpretation. Allele origin: paternal. Inheritance: Autosomal recessive inheritance. Affected: yes. Observed: 1 compound heterozygote.
Comment: Variant not reported in large population databases. See Observation 1 for details on clinical features.

PreventionGenetics, part of Exact Sciences
Classification: Likely pathogenic for KCNJ16-related condition. Last evaluated: 2023-12-05. Review status: no assertion criteria provided. Collection method: clinical testing. Allele origin: germline. Not counted in ClinVar's aggregate classification.
Comment: The KCNJ16 c.502_504dupGGA variant is predicted to result in an in-frame duplication (p.Gly168dup). To our knowledge, this variant has not been reported in the literature or in a large population database, indicating this variant is rare. Taken together, we interpret this variant as likely pathogenic.

NM_170741.4(KCNJ16):c.397_399dup (p.Gly133_Tyr134insGly)

Gene: KCNJ16 (potassium inwardly rectifying channel subfamily J member 16; plus strand). Cytogenetic location: 17q24.3.
Variant type: Duplication.
Coding change: c.397_399dup on transcript NM_170741.4 (MANE Select); coding-DNA positions 397 to 399, 3 bases duplicated (GGA; older notation c.397_399dupGGA).
Protein change: p.Gly133_Tyr134insGly.
Molecular consequence: inframe insertion.
Genome position (GRCh38, 1-based): chr17:70,132,484-70,132,486, GGA duplicated; duplicating any 3 consecutive bases within chr17:70,132,483-70,132,486 gives the same sequence; the c. name uses the placement nearest the transcript's 3' end. VCF-style (leftmost placement, unchanged base first): chr17-70132482-T-TAGG. GRCh37 (hg19) VCF-style: chr17-68128623-T-TAGG.
Other names: c.397_399dup, p.Gly133_Tyr134insGly (NM_001270422.2, NM_001291622.3, NM_001291623.2 and 4 more transcripts); c.502_504dupGGA (NM_170741.2); c.502_504dup (NM_170741.2).
Identifiers: ClinVar variation 2633613 (VCV002633613.3), dbSNP rs2509887847, ClinGen allele CA2695200330.